The following is an entry in ClinVar:

ClinVar aggregate classification (germline): Conflicting classifications of pathogenicity. Review status: criteria provided, conflicting classifications (1 of 4 stars). 2 submissions from 2 submitters: Uncertain significance (1); Benign (1). Last evaluated 2025-10-21.

Conditions:
Marinesco-Sjögren syndrome (MSS). Also called: Marinesco-Sjogren Syndrome; Marinesco-SjÃ¶gren syndrome. Identifiers: Orphanet 559, MedGen C0024814, MONDO:0009567, OMIM 248800.

Allele frequency attached by ClinVar (database versions not stated): gnomAD exomes 0.00012; TOPMed 0.00014; gnomAD 0.00015; ExAC 0.00019; 1000 Genomes Project 30x 0.00078; 1000 Genomes Project 0.00080.
gnomAD v4.1: 197 of 1,614,064 alleles (0.012%); highest among the groups gnomAD compares: East Asian, 0.12%; 2 homozygotes.

Submissions (2):

Athena Diagnostics
Classification: Benign. Last evaluated: 2025-10-21. Review status: criteria provided, single submitter. Criteria: Athena Diagnostics Criteria. Collection method: clinical testing. Allele origin: unknown.
Comment: The frequency of this variant in the general population is higher than would generally be expected for pathogenic variants in this gene.

Labcorp Genetics (formerly Invitae), Labcorp
Classification: Uncertain significance for Marinesco-Sjögren syndrome. Last evaluated: 2024-09-23. Review status: criteria provided, single submitter. Criteria: Invitae Variant Classification Sherloc (09022015). Collection method: clinical testing. Allele origin: germline.
Comment: This sequence change replaces proline, which is neutral and non-polar, with leucine, which is neutral and non-polar, at codon 282 of the SIL1 protein (p.Pro282Leu). This variant is present in population databases (rs201546394, gnomAD 0.2%). This missense change has been observed in individual(s) with clinical features of Marinesco-Sjogren syndrome (PMID: 32502767). ClinVar contains an entry for this variant (Variation ID: 1926776). Invitae Evidence Modeling of protein sequence and biophysical properties (such as structural, functional, and spatial information, amino acid conservation, physicochemical variation, residue mobility, and thermodynamic stability) indicates that this missense variant is not expected to disrupt SIL1 protein function with a negative predictive value of 80%. In summary, the available evidence is currently insufficient to determine the role of this variant in disease. Therefore, it has been classified as a Variant of Uncertain Significance.

Literature cited by the submitters: PubMed 32502767 (cited by Athena Diagnostics and Labcorp Genetics (formerly Invitae), Labcorp).

NM_022464.5(SIL1):c.845C>T (p.Pro282Leu)

Gene: SIL1 (SIL1 nucleotide exchange factor; minus strand). Cytogenetic location: 5q31.2.
Variant type: single nucleotide variant.
Coding change: c.845C>T on transcript NM_022464.5 (MANE Select); coding-DNA position 845, C replaced by T.
Protein change: p.Pro282Leu; replaces proline 282 with leucine.
Molecular consequence: missense variant.
Genome position (GRCh38, 1-based): chr5:138,951,807, G>A on the plus strand (C>T on the coding strand, the complement: SIL1 is on the minus strand). VCF-style: chr5-138951807-G-A. GRCh37 (hg19) VCF-style: chr5-138287496-G-A.
Other names: c.845C>T (NM_022464.4); c.845C>T, p.Pro282Leu (NM_001037633.2); short protein forms P282L.
Identifiers: ClinVar variation 1926776 (VCV001926776.5), dbSNP rs201546394, ClinGen allele CA3432467.